The following is an entry in ClinVar:

ClinVar aggregate classification (germline): Pathogenic (1 of 4 stars; one submission).

Conditions:
Waardenburg syndrome type 4C (WS4C). Also called: WAARDENBURG SYNDROME WITH HIRSCHSPRUNG DISEASE, TYPE 4C. Identifiers: Orphanet 897, MedGen C2750452, MONDO:0013202, OMIM 613266.

Submission:

Institute of Rare Diseases, West China Hospital, Sichuan University
Classification: Pathogenic for Waardenburg syndrome type 4C. Last evaluated: 2025-01-09. Review status: criteria provided, single submitter. Criteria: ClinGen HL ACMG Specifications v1. Collection method: research. Allele origin: germline. Affected: yes.
Comment: PM1;PVS1;PS2;PP4;PM2_Supporting

NM_006941.4(SOX10):c.513C>A (p.Tyr171Ter)

Genes: POLR2F (RNA polymerase II, I and III subunit F; plus strand), SOX10 (SRY-box transcription factor 10; minus strand). Cytogenetic location: 22q13.1.
Variant type: single nucleotide variant.
Coding change: c.513C>A on transcript NM_006941.4 (MANE Select); coding-DNA position 513, C replaced by A.
Protein change: p.Tyr171Ter; replaces tyrosine 171 with a stop codon.
Molecular consequence: nonsense. On other transcripts: intron variant (3).
Genome position (GRCh38, 1-based): chr22:37,978,051, G>T on the plus strand (C>A on the coding strand, the complement: SOX10 is on the minus strand). VCF-style: chr22-37978051-G-T. GRCh37 (hg19) VCF-style: chr22-38374058-G-T.
Other names: c.293+10881G>T (NM_001301131.2); c.*38+5741G>T (NM_001363825.1); c.294-8103G>T (NM_001301130.2); short protein forms Y171*.
Identifiers: ClinVar variation 3601843 (VCV003601843.1).
Genomic context (GRCh38, chr22:37,978,051, plus strand): 5'-GGGGCACTCCGCCTCGCCCTGGGCGGCCTTCCCGTTCTTCCGCCGCCTGGGCTGGTACTT[G>T]TAGTCCGGGTGGTCTTTCTTGTGCTGCATACGGAGCCGCTCAGCCTCCTCGATGAAGGGG-3'